The following is an entry in ClinVar:

ClinVar aggregate classification (germline): Uncertain significance (1 of 4 stars; one submission).

Allele frequency attached by ClinVar (database versions not stated): gnomAD exomes below 0.00001; gnomAD 0.00001.
gnomAD v4.1: 4 of 1,613,326 alleles (0.00025%); highest among the groups gnomAD compares: East Asian, 0.0022%; no homozygotes.

Submission:

Labcorp Genetics (formerly Invitae), Labcorp
Classification: Uncertain significance. Last evaluated: 2022-08-16. Review status: criteria provided, single submitter. Criteria: Invitae Variant Classification Sherloc (09022015). Collection method: clinical testing. Allele origin: germline.
Comment: In summary, the available evidence is currently insufficient to determine the role of this variant in disease. Therefore, it has been classified as a Variant of Uncertain Significance. Algorithms developed to predict the effect of missense changes on protein structure and function are either unavailable or do not agree on the potential impact of this missense change (SIFT: "Tolerated"; PolyPhen-2: "Possibly Damaging"; Align-GVGD: "Class C0"). This variant has not been reported in the literature in individuals affected with VPS13C-related conditions. This variant is present in population databases (no rsID available, gnomAD 0.06%). This sequence change replaces tryptophan, which is neutral and slightly polar, with arginine, which is basic and polar, at codon 2349 of the VPS13C protein (p.Trp2349Arg).

NM_020821.3(VPS13C):c.7045T>C (p.Trp2349Arg)

Gene: VPS13C (vacuolar protein sorting 13 homolog C; minus strand). Cytogenetic location: 15q22.2.
Variant type: single nucleotide variant.
Coding change: c.7045T>C on transcript NM_020821.3 (MANE Select); coding-DNA position 7045, T replaced by C.
Protein change: p.Trp2349Arg; replaces tryptophan 2349 with arginine.
Molecular consequence: missense variant.
Genome position (GRCh38, 1-based): chr15:61,921,964, A>G on the plus strand (T>C on the coding strand, the complement: VPS13C is on the minus strand). VCF-style: chr15-61921964-A-G. GRCh37 (hg19) VCF-style: chr15-62214163-A-G.
Other names: c.7045T>C, p.Trp2349Arg (NM_001018088.3); c.6916T>C, p.Trp2306Arg (NM_017684.5, NM_018080.4); short protein forms W2349R, W2306R.
Identifiers: ClinVar variation 2084012 (VCV002084012.4), dbSNP rs1378655249, ClinGen allele CA392684765.